The following is an entry in ClinVar:

NM_001267550.2(TTN):c.78589C>A (p.Pro26197Thr)

Genes: TTN (titin; minus strand), TTN-AS1 (TTN antisense RNA 1; plus strand). Cytogenetic location: 2q31.2.
Variant type: single nucleotide variant.
Coding change: c.78589C>A on transcript NM_001267550.2 (MANE Select); coding-DNA position 78589, C replaced by A.
Protein change: p.Pro26197Thr; replaces proline 26197 with threonine.
Molecular consequence: missense variant.
Genome position (GRCh38, 1-based): chr2:178,567,543, G>T on the plus strand (C>A on the coding strand, the complement: TTN is on the minus strand). VCF-style: chr2-178567543-G-T. GRCh37 (hg19) VCF-style: chr2-179432270-G-T.
Other names: c.78589C>A (NM_001267550.1); c.73666C>A, p.Pro24556Thr (NM_001256850.1); c.51394C>A, p.Pro17132Thr (NM_003319.4); c.70885C>A, p.Pro23629Thr (NM_133378.4); c.51769C>A, p.Pro17257Thr (NM_133432.3); c.51970C>A, p.Pro17324Thr (NM_133437.4); short protein forms P26197T, P24556T, P23629T, P17132T, P17257T, P17324T.
Identifiers: ClinVar variation 281699 (VCV000281699.8), dbSNP rs747052899, ClinGen allele CA1989580.

ClinVar aggregate classification (germline): Uncertain significance. Review status: criteria provided, multiple submitters, no conflicts (2 of 4 stars). 3 submissions from 3 submitters: Uncertain significance (3). Last evaluated 2026-02-25.

Conditions:
Autosomal recessive limb-girdle muscular dystrophy type 2J (LGMDR10). Also called: MUSCULAR DYSTROPHY, LIMB-GIRDLE, AUTOSOMAL RECESSIVE 10; Limb-girdle muscular dystrophy, type 2J. Identifiers: Orphanet 140922, MedGen C1837342, MONDO:0012127, OMIM 608807.
Dilated cardiomyopathy 1G (CMD1G). Identifiers: Orphanet 154, MedGen C1858763, MONDO:0011400, OMIM 604145.

Allele frequency attached by ClinVar (database versions not stated): gnomAD exomes below 0.00001; ExAC 0.00001; gnomAD 0.00003; TOPMed 0.00008.
gnomAD v4.1: 9 of 1,610,404 alleles (0.00056%); highest among the groups gnomAD compares: African/African-American, 0.0067%; no homozygotes.

Submissions (3):

GeneDx
Classification: Uncertain significance. Last evaluated: 2026-02-25. Review status: criteria provided, single submitter. Criteria: GeneDx Variant Classification Process June 2021. Collection method: clinical testing. Allele origin: germline.
Comment: Not observed at significant frequency in large population cohorts (gnomAD); Missense variant in a gene in which most reported pathogenic variants are truncating/loss of function; Has not been previously published as pathogenic or benign to our knowledge

Labcorp Genetics (formerly Invitae), Labcorp
Classification: Uncertain significance for Dilated cardiomyopathy 1G; Autosomal recessive limb-girdle muscular dystrophy type 2J. Last evaluated: 2016-10-03. Review status: criteria provided, single submitter. Criteria: Invitae Variant Classification Sherloc (09022015). Collection method: clinical testing. Allele origin: germline.

Eurofins Ntd Llc (ga)
Classification: Uncertain significance. Last evaluated: 2015-07-08. Review status: criteria provided, single submitter. Criteria: EGL Classification Definitions 2015. Collection method: clinical testing. Allele origin: germline. Observed: 1 variant allele, 1 heterozygote.